The following is an entry in ClinVar:

ClinVar aggregate classification (germline): Uncertain significance. Review status: criteria provided, multiple submitters, no conflicts (2 of 4 stars). 4 submissions from 4 submitters: Uncertain significance (4). Last evaluated 2025-05-17.

Conditions:
Inborn genetic diseases. Identifiers: MedGen C0950123, MeSH D030342.
Type II complement component 8 deficiency. Also called: C8 BETA DEFICIENCY; C8B DEFICIENCY; COMPLEMENT COMPONENT 8B DEFICIENCY; COMPLEMENT C8 DEFICIENCY, TYPE II. Identifiers: MedGen C3151080, MONDO:0013421, OMIM 613789.

Allele frequency attached by ClinVar (database versions not stated): TOPMed 0.00004; gnomAD 0.00005; ESP Exome Variant Server 0.00008; ExAC 0.00009; gnomAD exomes 0.00011.
gnomAD v4.1: 91 of 1,613,714 alleles (0.0056%); highest among the groups gnomAD compares: Non-Finnish European, 0.0076%; no homozygotes.

Submissions (4):

Ambry Genetics
Classification: Uncertain significance for Inborn genetic diseases. Last evaluated: 2025-05-17. Review status: criteria provided, single submitter. Criteria: Ambry Variant Classification Scheme 2023. Collection method: clinical testing. Allele origin: germline.

Blueprint Genetics
Classification: Uncertain significance. Last evaluated: 2024-11-25. Review status: criteria provided, single submitter. Criteria: ACMG Guidelines, 2015. Collection method: clinical testing. Allele origin: germline.

Fulgent Genetics
Classification: Uncertain significance for Type II complement component 8 deficiency. Last evaluated: 2024-06-16. Review status: criteria provided, single submitter. Criteria: ACMG Guidelines, 2015. Collection method: clinical testing. Allele origin: germline.

Labcorp Genetics (formerly Invitae), Labcorp
Classification: Uncertain significance. Last evaluated: 2023-12-19. Review status: criteria provided, single submitter. Criteria: Invitae Variant Classification Sherloc (09022015). Collection method: clinical testing. Allele origin: germline.
Comment: This sequence change replaces aspartic acid, which is acidic and polar, with glutamic acid, which is acidic and polar, at codon 148 of the C8B protein (p.Asp148Glu). This variant is present in population databases (rs151302643, gnomAD 0.02%). This variant has not been reported in the literature in individuals affected with C8B-related conditions. ClinVar contains an entry for this variant (Variation ID: 1422556). An algorithm developed to predict the effect of missense changes on protein structure and function (PolyPhen-2) suggests that this variant is likely to be disruptive. In summary, the available evidence is currently insufficient to determine the role of this variant in disease. Therefore, it has been classified as a Variant of Uncertain Significance.

NM_000066.4(C8B):c.444C>G (p.Asp148Glu)

Gene: C8B (complement C8 beta chain; minus strand). Cytogenetic location: 1p32.2.
Variant type: single nucleotide variant.
Coding change: c.444C>G on transcript NM_000066.4 (MANE Select); coding-DNA position 444, C replaced by G.
Protein change: p.Asp148Glu; replaces aspartic acid 148 with glutamic acid.
Molecular consequence: missense variant.
Genome position (GRCh38, 1-based): chr1:56,954,775, G>C on the plus strand (C>G on the coding strand, the complement: C8B is on the minus strand). VCF-style: chr1-56954775-G-C. GRCh37 (hg19) VCF-style: chr1-57420448-G-C.
Other names: c.288C>G, p.Asp96Glu (NM_001278543.2); c.258C>G, p.Asp86Glu (NM_001278544.2); c.444C>G (NM_000066.2); short protein forms D148E, D86E, D96E.
Identifiers: ClinVar variation 1422556 (VCV001422556.10), dbSNP rs151302643, ClinGen allele CA875976.